The following is an entry in ClinVar:

ClinVar aggregate classification (germline): Uncertain significance (1 of 4 stars; one submission).

Allele frequency attached by ClinVar (database versions not stated): gnomAD exomes below 0.00001.

Submission:

Labcorp Genetics (formerly Invitae), Labcorp
Classification: Uncertain significance. Last evaluated: 2022-04-04. Review status: criteria provided, single submitter. Criteria: Invitae Variant Classification Sherloc (09022015). Collection method: clinical testing. Allele origin: germline.
Comment: This sequence change replaces glutamic acid, which is acidic and polar, with alanine, which is neutral and non-polar, at codon 168 of the GTPBP3 protein (p.Glu168Ala). This variant is not present in population databases (gnomAD no frequency). This variant has not been reported in the literature in individuals affected with GTPBP3-related conditions. Algorithms developed to predict the effect of missense changes on protein structure and function are either unavailable or do not agree on the potential impact of this missense change (SIFT: "Deleterious"; PolyPhen-2: "Probably Damaging"; Align-GVGD: "Class C0"). In summary, the available evidence is currently insufficient to determine the role of this variant in disease. Therefore, it has been classified as a Variant of Uncertain Significance.

NM_032620.4(GTPBP3):c.503A>C (p.Glu168Ala)

Gene: GTPBP3 (GTP binding protein 3, mitochondrial; plus strand). Cytogenetic location: 19p13.11.
Variant type: single nucleotide variant.
Coding change: c.503A>C on transcript NM_032620.4 (MANE Select); coding-DNA position 503, A replaced by C.
Protein change: p.Glu168Ala; replaces glutamic acid 168 with alanine.
Molecular consequence: missense variant.
Genome position (GRCh38, 1-based): chr19:17,338,653, A>C. VCF-style: chr19-17338653-A-C. GRCh37 (hg19) VCF-style: chr19-17449462-A-C.
Other names: c.503A>C, p.Glu168Ala (NM_001128855.3, NM_133644.4); c.569A>C, p.Glu190Ala (NM_001195422.1); short protein forms E168A, E190A.
Identifiers: ClinVar variation 1980636 (VCV001980636.4), dbSNP rs2513204323, ClinGen allele CA404733274.
Genomic context (GRCh38, chr19:17,338,653, plus strand): 5'-TCGCCAATGGGAAGCTGAACCTGACCGAAGTGGAGGGGCTGGCGGACCTTATCCACGCGG[A>C]AACAGAGGCGCAGCGGCGGCAGGCCCTCAGGCAGCTGGACGGAGAGCTGGGCCACCTCTG-3'
Protein context (NP_116009.2, residues 158-178): VEGLADLIHA[Glu168Ala]TEAQRRQALR